The following is an entry in ClinVar:

NM_001369268.1(ACAN):c.1357G>T (p.Ala453Ser)

Gene: ACAN (aggrecan; plus strand). Cytogenetic location: 15q26.1.
Variant type: single nucleotide variant.
Coding change: c.1357G>T on transcript NM_001369268.1 (MANE Select); coding-DNA position 1357, G replaced by T.
Protein change: p.Ala453Ser; replaces alanine 453 with serine.
Molecular consequence: missense variant.
Genome position (GRCh38, 1-based): chr15:88,845,810, G>T. VCF-style: chr15-88845810-G-T. GRCh37 (hg19) VCF-style: chr15-89389041-G-T.
Other names: c.1357G>T, p.Ala453Ser (NM_001135.4, NM_001411096.1, NM_001411097.1 and 1 more transcripts); short protein forms A453S.
Identifiers: ClinVar variation 2050447 (VCV002050447.4), dbSNP rs2505263563, ClinGen allele CA393710095.
Genomic context (GRCh38, chr15:88,845,810, plus strand): 5'-GAGAATGAGACTGGAGAGGCCACCAGGCCCTGGGGCTTTCCCACACCTGGCCTGGGCCCT[G>T]CCACGGCATTCACCAGTGAGGACCTCGTCGTGCAGGTGACCGCTGTCCCTGGGCAGCCGC-3'
Protein context (NP_001356197.1, residues 443-463): WGFPTPGLGP[Ala453Ser]TAFTSEDLVV

ClinVar aggregate classification (germline): Uncertain significance (1 of 4 stars; one submission).

Submission:

Labcorp Genetics (formerly Invitae), Labcorp
Classification: Uncertain significance. Last evaluated: 2022-03-13. Review status: criteria provided, single submitter. Criteria: Invitae Variant Classification Sherloc (09022015). Collection method: clinical testing. Allele origin: germline.
Comment: In summary, the available evidence is currently insufficient to determine the role of this variant in disease. Therefore, it has been classified as a Variant of Uncertain Significance. Algorithms developed to predict the effect of missense changes on protein structure and function are either unavailable or do not agree on the potential impact of this missense change (SIFT: "Tolerated"; PolyPhen-2: "Not Available"; Align-GVGD: "Class C0"). This variant has not been reported in the literature in individuals affected with ACAN-related conditions. This variant is not present in population databases (gnomAD no frequency). This sequence change replaces alanine, which is neutral and non-polar, with serine, which is neutral and polar, at codon 453 of the ACAN protein (p.Ala453Ser).